The following is an entry in ClinVar:

ClinVar aggregate classification (germline): Likely benign (1 of 4 stars; one submission).

Allele frequency attached by ClinVar (database versions not stated): 1000 Genomes Project 30x 0.00671; 1000 Genomes Project 0.00659; gnomAD 0.00723; TOPMed 0.00800.
gnomAD v4.1: 1,863 of 1,135,544 alleles (0.16%); highest among the groups gnomAD compares: African/African-American, 2.5%; 18 homozygotes.

Submission:

GeneDx
Classification: Likely benign. Last evaluated: 2018-12-09. Review status: criteria provided, single submitter. Criteria: GeneDx Variant Classification Process June 2021. Collection method: clinical testing. Allele origin: germline. Affected: yes.
Comment: See Variant Classification Assertion Criteria.

NM_001199040.2(STRA6):c.96+123C>T

Genes: CCDC33 (coiled-coil domain containing 33; plus strand), STRA6 (signaling receptor and transporter of retinol STRA6; minus strand). Cytogenetic location: 15q24.1.
Variant type: single nucleotide variant.
Coding change: c.96+123C>T on transcript NM_001199040.2; 123 bases into the intron after coding-DNA position 96, C replaced by T.
Molecular consequence: intron variant.
Genome position (GRCh38, 1-based): chr15:74,209,236, G>A on the plus strand (C>T on the coding strand, the complement: STRA6 is on the minus strand). VCF-style: chr15-74209236-G-A. GRCh37 (hg19) VCF-style: chr15-74501577-G-A.
Other names: c.-16+2891C>T (NM_001437994.1).
Identifiers: ClinVar variation 1707199 (VCV001707199.2), dbSNP rs7179079, ClinGen allele CA272768620.